The following is an entry in ClinVar:

NM_003052.5(SLC34A1):c.1430_1432del (p.His477_Phe478delinsLeu)

Gene: SLC34A1 (solute carrier family 34 member 1; plus strand). Cytogenetic location: 5q35.3.
Variant type: Deletion.
Coding change: c.1430_1432del on transcript NM_003052.5 (MANE Select); coding-DNA positions 1430 to 1432, 3 bases deleted (ACT; older notation c.1430_1432delACT).
Protein change: p.His477_Phe478delinsLeu.
Molecular consequence: inframe indel.
Genome position (GRCh38, 1-based): chr5:177,397,796-177,397,798, ACT deleted. VCF-style (leftmost placement, unchanged base first): chr5-177397795-CACT-C. GRCh37 (hg19) VCF-style: chr5-176824796-CACT-C.
Identifiers: ClinVar variation 4855002 (VCV004855002.1).

ClinVar aggregate classification (germline): Uncertain significance (1 of 4 stars; one submission).

Conditions:
Hypercalcemia, infantile, 2 (HCINF2). Identifiers: Orphanet 300547, MedGen C4310473, MONDO:0014851, OMIM 616963.

Submission:

3billion
Classification: Uncertain significance for Hypercalcemia, infantile, 2. Last evaluated: 2025-07-21. Review status: criteria provided, single submitter. Criteria: ACMG Guidelines, 2015. Collection method: clinical testing. Allele origin: germline. Affected: yes.
Comment: The variant is not observed in the gnomAD v4.1.0 dataset. Predicted Consequence/Location: Inframe deletion located in a nonrepeat region: predicted to change the length of the protein and disrupt normal protein function. Therefore, this variant is classified as VUS according to the recommendation of ACMG/AMP guideline.